The following is an entry in ClinVar:

ClinVar aggregate classification (germline): Uncertain significance (1 of 4 stars; one submission).

Submission:

Labcorp Genetics (formerly Invitae), Labcorp
Classification: Uncertain significance. Last evaluated: 2024-08-26. Review status: criteria provided, single submitter. Criteria: Invitae Variant Classification Sherloc (09022015). Collection method: clinical testing. Allele origin: germline.
Comment: This sequence change falls in intron 1 of the RAB11B gene. It does not directly change the encoded amino acid sequence of the RAB11B protein. It affects a nucleotide within the consensus splice site. This variant is not present in population databases (gnomAD no frequency). This variant has not been reported in the literature in individuals affected with RAB11B-related conditions. ClinVar contains an entry for this variant (Variation ID: 1481041). Variants that disrupt the consensus splice site are a relatively common cause of aberrant splicing (PMID: 17576681, 9536098). Algorithms developed to predict the effect of sequence changes on RNA splicing suggest that this variant is not likely to affect RNA splicing. In summary, the available evidence is currently insufficient to determine the role of this variant in disease. Therefore, it has been classified as a Variant of Uncertain Significance.

Literature cited by the submitters: PubMed 17576681; PubMed 9536098.

NM_004218.4(RAB11B):c.40+6G>C

Genes: RAB11B (RAB11B, member RAS oncogene family; plus strand), RAB11B-AS1 (RAB11B antisense RNA 1; minus strand). Cytogenetic location: 19p13.2.
Variant type: single nucleotide variant.
Coding change: c.40+6G>C on transcript NM_004218.4 (MANE Select); 6 bases into the intron after coding-DNA position 40, G replaced by C.
Molecular consequence: intron variant. On other transcripts: non-coding transcript variant (1).
Genome position (GRCh38, 1-based): chr19:8,390,462, G>C. VCF-style: chr19-8390462-G-C. GRCh37 (hg19) VCF-style: chr19-8455346-G-C.
Identifiers: ClinVar variation 1481041 (VCV001481041.6), dbSNP rs10426087, ClinGen allele CA505260923.